The following is an entry in ClinVar:

ClinVar aggregate classification (germline): Pathogenic. Review status: criteria provided, multiple submitters, no conflicts (2 of 4 stars). 3 submissions from 3 submitters: Pathogenic (2). 1 of the submissions does not count toward it. Last evaluated 2025-03-05.

Conditions:
SPAST-related disorder. Also called: SPAST-related condition.
Hereditary spastic paraplegia 4. Also called: Familial spastic paraplegia autosomal dominant 2; Spastic Paraplegia 4; Spastic paraplegia 4, autosomal dominant. Identifiers: Orphanet 100985, MedGen C1866855, MONDO:0008438, OMIM 182601.

Submissions (3):

GeneDx
Classification: Pathogenic. Last evaluated: 2025-03-05. Review status: criteria provided, single submitter. Criteria: GeneDx Variant Classification Process June 2021. Collection method: clinical testing. Allele origin: germline. Affected: yes.
Comment: Published functional studies demonstrate a damaging effect (PMID: 30006150, 15716377); Not observed at significant frequency in large population cohorts (gnomAD); In silico analysis supports that this missense variant has a deleterious effect on protein structure/function; This variant is associated with the following publications: (PMID: 34715294, 26208798, 30006150, 31285604, 15716377, 12202986, 26094131, 21139634)

PreventionGenetics, part of Exact Sciences
Classification: Pathogenic for SPAST-related condition. Last evaluated: 2024-12-17. Review status: criteria provided, single submitter. Criteria: ACMG Guidelines, 2015. Collection method: clinical testing. Allele origin: germline.
Comment: The SPAST c.1031T>A variant is predicted to result in the amino acid substitution p.Ile344Lys. This variant was reported in individuals with autosomal dominant spastic paraplegia and is predicted to impact protein function (Ki et al 2002. PubMed ID: 12202986; Lim et al 2018. PubMed ID: 30006150). This variant has not been reported in a large population database, indicating this variant is rare. This variant is interpreted as pathogenic.

OMIM
Classification: Pathogenic for SPASTIC PARAPLEGIA 4. Last evaluated: 2002-01-01. Review status: no assertion criteria provided. Collection method: literature only. Allele origin: germline. Not counted in ClinVar's aggregate classification.

Literature cited by the submitters: PubMed 12202986 (cited by OMIM).

NM_014946.4(SPAST):c.1031T>A (p.Ile344Lys)

Gene: SPAST (spastin; plus strand). Cytogenetic location: 2p22.3.
Variant type: single nucleotide variant.
Coding change: c.1031T>A on transcript NM_014946.4 (MANE Select); coding-DNA position 1031, T replaced by A.
Protein change: p.Ile344Lys; replaces isoleucine 344 with lysine.
Molecular consequence: missense variant.
Genome position (GRCh38, 1-based): chr2:32,116,145, T>A. VCF-style: chr2-32116145-T-A. GRCh37 (hg19) VCF-style: chr2-32341214-T-A.
Other names: c.1028T>A, p.Ile343Lys (NM_001363823.2); c.932T>A, p.Ile311Lys (NM_001363875.2); c.935T>A, p.Ile312Lys (NM_001377959.1, NM_199436.2); c.1031T>A (NM_014946.3); short protein forms I344K, I343K, I311K, I312K.
Identifiers: ClinVar variation 5668 (VCV000005668.4), dbSNP rs121908513, ClinGen allele CA253560.